The following is an entry in ClinVar:

ClinVar aggregate classification (germline): Pathogenic (1 of 4 stars; one submission).

Submission:

Quest Diagnostics Nichols Institute San Juan Capistrano
Classification: Pathogenic. Last evaluated: 2023-08-21. Review status: criteria provided, single submitter. Criteria: ACMG/ClinGen CNV Guidelines, 2019. Collection method: clinical testing. Allele origin: unknown.
Comment: This loss contains numerous protein-coding genes and is associated with Wilms tumor, aniridia, genitourinary anomalies and impaired intellectual development syndrome (WAGR syndrome; OMIM 194072). Additionally, deletions similar to the current interval have been reported in individuals with various phenotypes (De Souza 2022, Takada 2017). Haploinsufficiency of PAX6 (CCID:007618) has been associated with aniridia (OMIM 106210; (CCID:007618; Lima Cunha 2019), and haploinsufficiency of WT1 has been associated with Wilms tumor 1 (OMIM 194070; CCID:008114). Therefore, based on gene count and current medical literature, this copy number variant (CNV) is classified as pathogenic. References: De Souza et al., Mol Syndromol. 2022 Jul;13(4):290-304. PMID: 36158055; Lima Cunha et al., Genes (Basel). 2019 Dec 17;10(12):1050. PMID: 31861090; Takada et al., BMC Med Genet. 2017 Oct 23;18(1):117. PMID: 29061165

GRCh37/hg19 11p14.3-12(chr11:22428384-37196643)x1

Genes: ABTB2 (ankyrin repeat and BTB domain containing 2; minus strand), ANO3 (anoctamin 3; plus strand), APIP (APAF1 interacting protein; minus strand), ARL14EP (ARF like GTPase 14 effector protein; plus strand), BBOX1 (gamma-butyrobetaine hydroxylase 1; plus strand) and 59 more. Cytogenetic location: 11p14.3-12.
Variant type: copy number loss.
Change: copy number 1 (one copy instead of two) of chr11:22,428,384-37,196,643 (14.77 Mb, GRCh37 coordinates, 1-based), cytogenetic band 11p14.3-12.
Identifiers: ClinVar variation 3391910 (VCV003391910.1).